The following is an entry in ClinVar:

ClinVar aggregate classification (germline): Pathogenic (1 of 4 stars; one submission).

Submission:

Labcorp Genetics (formerly Invitae), Labcorp
Classification: Pathogenic. Last evaluated: 2021-08-19. Review status: criteria provided, single submitter. Criteria: Invitae Variant Classification Sherloc (09022015). Collection method: clinical testing. Allele origin: germline.
Comment: For these reasons, this variant has been classified as Pathogenic. Algorithms developed to predict the effect of sequence changes on RNA splicing suggest that this variant may create or strengthen a splice site. This variant has not been reported in the literature in individuals affected with SLC44A1-related conditions. This variant is not present in population databases (ExAC no frequency). This sequence change creates a premature translational stop signal (p.Tyr351*) in the SLC44A1 gene. It is expected to result in an absent or disrupted protein product. Loss-of-function variants in SLC44A1 are known to be pathogenic (PMID: 31855247).

Literature cited by the submitters: PubMed 31855247.

NM_080546.5(SLC44A1):c.1053C>G (p.Tyr351Ter)

Gene: SLC44A1 (solute carrier family 44 member 1; plus strand). Cytogenetic location: 9q31.1.
Variant type: single nucleotide variant.
Coding change: c.1053C>G on transcript NM_080546.5 (MANE Select); coding-DNA position 1053, C replaced by G.
Protein change: p.Tyr351Ter; replaces tyrosine 351 with a stop codon.
Molecular consequence: nonsense.
Genome position (GRCh38, 1-based): chr9:105,362,973, C>G. VCF-style: chr9-105362973-C-G. GRCh37 (hg19) VCF-style: chr9-108125254-C-G.
Other names: c.1053C>G, p.Tyr351Ter (NM_001286730.2, NM_001330731.2); short protein forms Y351*.
Identifiers: ClinVar variation 848628 (VCV000848628.7), dbSNP rs1827827098, ClinGen allele CA374326456.